The following is an entry in ClinVar:

ClinVar aggregate classification (germline): Uncertain significance (1 of 4 stars; one submission).

Conditions:
Majeed syndrome (MJDS). Also called: CHRONIC RECURRENT MULTIFOCAL OSTEOMYELITIS 1, WITH CONGENITAL DYSERYTHROPOIETIC ANEMIA, WITH OR WITHOUT NEUTROPHILIC DERMATOSIS; LPIN2-Related Majeed Syndrome. Identifiers: Orphanet 77297, MedGen C1864997, MONDO:0012316, OMIM 609628.

Submission:

Labcorp Genetics (formerly Invitae), Labcorp
Classification: Uncertain significance for Majeed syndrome. Last evaluated: 2022-04-07. Review status: criteria provided, single submitter. Criteria: Invitae Variant Classification Sherloc (09022015). Collection method: clinical testing. Allele origin: germline.
Comment: In summary, the available evidence is currently insufficient to determine the role of this variant in disease. Therefore, it has been classified as a Variant of Uncertain Significance. Algorithms developed to predict the effect of missense changes on protein structure and function are either unavailable or do not agree on the potential impact of this missense change (SIFT: "Deleterious"; PolyPhen-2: "Probably Damaging"; Align-GVGD: "Class C15"). This variant has not been reported in the literature in individuals affected with LPIN2-related conditions. This variant is not present in population databases (gnomAD no frequency). This sequence change replaces phenylalanine, which is neutral and non-polar, with leucine, which is neutral and non-polar, at codon 861 of the LPIN2 protein (p.Phe861Leu).

NM_001375808.2(LPIN2):c.2583C>A (p.Phe861Leu)

Gene: LPIN2 (lipin 2; minus strand). Cytogenetic location: 18p11.31.
Variant type: single nucleotide variant.
Coding change: c.2583C>A on transcript NM_001375808.2 (MANE Select); coding-DNA position 2583, C replaced by A.
Protein change: p.Phe861Leu; replaces phenylalanine 861 with leucine.
Molecular consequence: missense variant.
Genome position (GRCh38, 1-based): chr18:2,920,401, G>T on the plus strand (C>A on the coding strand, the complement: LPIN2 is on the minus strand). VCF-style: chr18-2920401-G-T. GRCh37 (hg19) VCF-style: chr18-2920399-G-T.
Other names: c.2583C>A, p.Phe861Leu (NM_001375809.1, NM_014646.2); short protein forms F861L.
Identifiers: ClinVar variation 2122781 (VCV002122781.4), dbSNP rs141043192, ClinGen allele CA401693913.